The following is an entry in ClinVar:

NC_000023.10:g.(?_22263430)_(22266301_?)del

Gene: PHEX (phosphate regulating endopeptidase X-linked; plus strand). Cytogenetic location: Xp22.11.
Variant type: Deletion.
Identifiers: ClinVar variation 1069838 (VCV001069838.6).

ClinVar aggregate classification (germline): Pathogenic (1 of 4 stars; one submission).

Submission:

Labcorp Genetics (formerly Invitae), Labcorp
Classification: Pathogenic. Last evaluated: 2023-06-11. Review status: criteria provided, single submitter. Criteria: Invitae Variant Classification Sherloc (09022015). Collection method: clinical testing. Allele origin: germline.
Comment: For these reasons, this variant has been classified as Pathogenic. This variant disrupts the p.Cys746 amino acid residue in PHEX. Other variant(s) that disrupt this residue have been determined to be pathogenic (PMID: 10439971, 23813354; Invitae). This suggests that this residue is clinically significant, and that variants that disrupt this residue are likely to be disease-causing. A similar copy number variant has been observed in individuals with X-linked hypophosphatemic rickets (PMID: 19513579; Invitae). This variant is a gross deletion of the genomic region encompassing exon(s) 21-22 of the PHEX gene, which includes the termination codon. This deletion extends beyond the assayed region for this gene and therefore may encompass additional genes. While this deletion is not anticipated to lead to nonsense mediated decay, it is expected to alter mRNA translation or result in a truncated protein product.

Literature cited by the submitters: PubMed 10439971; PubMed 23813354; PubMed 19513579.